The following is an entry in ClinVar:

NM_001451.3(FOXF1):c.1078G>A (p.Gly360Ser)

Gene: FOXF1 (forkhead box F1; plus strand). Cytogenetic location: 16q24.1.
Variant type: single nucleotide variant.
Coding change: c.1078G>A on transcript NM_001451.3 (MANE Select); coding-DNA position 1078, G replaced by A.
Protein change: p.Gly360Ser; replaces glycine 360 with serine.
Molecular consequence: missense variant.
Genome position (GRCh38, 1-based): chr16:86,513,023, G>A. VCF-style: chr16-86513023-G-A. GRCh37 (hg19) VCF-style: chr16-86546629-G-A.
Other names: c.1078G>A (NM_001451.2); short protein forms G360S.
Identifiers: ClinVar variation 2062778 (VCV002062778.6), dbSNP rs140770299, ClinGen allele CA8217554.
Genomic context (GRCh38, chr16:86,513,023, plus strand): 5'-GACCGAAAGGAGTTTGTCTTCTCTTTCAACGCCATGGCGTCCTCTTCCATGCACTCGGCC[G>A]GCGGGGGCTCCTACTACCACCAGCAGGTCACCTACCAAGACATCAAGCCTTGCGTGATGT-3'
Protein context (NP_001442.2, residues 350-370): AMASSSMHSA[Gly360Ser]GGSYYHQQVT

ClinVar aggregate classification (germline): Likely benign. Review status: criteria provided, single submitter (1 of 4 stars). 2 submissions from 2 submitters: Likely benign (1). 1 of the submissions does not count toward it. Last evaluated 2026-01-11.

Conditions:
FOXF1-related disorder. Also called: FOXF1-related condition.

Allele frequency attached by ClinVar (database versions not stated): ExAC 0.00013; 1000 Genomes Project 0.00040; 1000 Genomes Project 30x 0.00062; ESP Exome Variant Server 0.00062.

Submissions (2):

Labcorp Genetics (formerly Invitae), Labcorp
Classification: Likely benign. Last evaluated: 2026-01-11. Review status: criteria provided, single submitter. Criteria: Invitae Variant Classification Sherloc (09022015). Collection method: clinical testing. Allele origin: germline.

PreventionGenetics, part of Exact Sciences
Classification: Likely benign for FOXF1-related condition. Last evaluated: 2020-09-30. Review status: no assertion criteria provided. Collection method: clinical testing. Allele origin: germline. Not counted in ClinVar's aggregate classification.
Comment: This variant is classified as likely benign based on ACMG/AMP sequence variant interpretation guidelines (Richards et al. 2015 PMID: 25741868, with internal and published modifications).